The following is an entry in ClinVar:

NM_001127222.2(CACNA1A):c.4497C>G (p.Phe1499Leu)

Gene: CACNA1A (calcium voltage-gated channel subunit alpha1 A; minus strand). Cytogenetic location: 19p13.13.
Variant type: single nucleotide variant.
Coding change: c.4497C>G on transcript NM_001127222.2 (MANE Select); coding-DNA position 4497, C replaced by G.
Protein change: p.Phe1499Leu; replaces phenylalanine 1499 with leucine.
Molecular consequence: missense variant.
Genome position (GRCh38, 1-based): chr19:13,257,443, G>C on the plus strand (C>G on the coding strand, the complement: CACNA1A is on the minus strand). VCF-style: chr19-13257443-G-C. GRCh37 (hg19) VCF-style: chr19-13368257-G-C.
Other names: c.4509C>G, p.Phe1503Leu (NM_000068.4, NM_023035.3); c.4500C>G, p.Phe1500Leu (NM_001127221.2, NM_001174080.2); short protein forms F1499L, F1500L, F1503L.
Identifiers: ClinVar variation 4531707 (VCV004531707.1).

ClinVar aggregate classification (germline): Uncertain significance (1 of 4 stars; one submission).

Conditions:
CACNA1A-related complex neurodevelopmental disorder. Identifiers: MedGen CN323281, MONDO:0100254.

Submission:

Victorian Clinical Genetics Services, Murdoch Childrens Research Institute
Classification: Uncertain significance for CACNA1A-related complex neurodevelopmental disorder. Last evaluated: 2025-02-07. Review status: criteria provided, single submitter. Criteria: ACMG Guidelines, 2015. Collection method: clinical testing. Allele origin: germline. Affected: yes.
Comment: This variant is classified as VUS-3B. Evidence in support of pathogenic classification: Variant is absent from gnomAD (v2, v3 and v4); Missense variant predicted to be damaging by in silico tool(s) or highly conserved with a major amino acid change. Additional information: Variant is predicted to result in a missense amino acid change from phenylalanine to leucine; This variant is heterozygous; This gene is associated with autosomal dominant disease; This variant has no previous evidence of pathogenicity; No published segregation evidence has been identified for this variant; No published functional evidence has been identified for this variant; No comparable missense variants have previous evidence for pathogenicity; Variant is located in the annotated ion transport protein family domain (DECIPHER); Loss of function and gain of function are known mechanisms of disease in this gene and are associated with CACNA1A-related disease. Episodic ataxia, type 2 (MIM#108500) is caused by variants with a loss of function mechanism (PMID: 28566750); The condition associated with this gene has incomplete penetrance. Reduced penetrance has been reported for patients with episodic ataxia, type 2 (OMIM); Variants in this gene are known to have variable expressivity. Two families with episodic ataxia, intellectual disability and/or epilepsy have been reported with intrafamilial variability (PMID: 32910250, 30142438).

Literature cited by the submitters: PubMed 30142438; PubMed 32910250; PubMed 28566750.